The following is an entry in ClinVar:

NM_005431.2(XRCC2):c.124G>A (p.Asp42Asn)

Gene: XRCC2 (X-ray repair cross complementing 2; minus strand). Cytogenetic location: 7q36.1.
Variant type: single nucleotide variant.
Coding change: c.124G>A on transcript NM_005431.2 (MANE Select); coding-DNA position 124, G replaced by A.
Protein change: p.Asp42Asn; replaces aspartic acid 42 with asparagine.
Molecular consequence: missense variant.
Genome position (GRCh38, 1-based): chr7:152,649,361, C>T on the plus strand (G>A on the coding strand, the complement: XRCC2 is on the minus strand). VCF-style: chr7-152649361-C-T. GRCh37 (hg19) VCF-style: chr7-152346446-C-T.
Other names: short protein forms D42N.
Identifiers: ClinVar variation 1760372 (VCV001760372.3), dbSNP rs763065363, ClinGen allele CA4582383.

ClinVar aggregate classification (germline): Uncertain significance (1 of 4 stars; one submission).

Conditions:
Hereditary cancer-predisposing syndrome. Also called: Neoplastic Syndromes, Hereditary; Tumor predisposition; Hereditary Cancer Syndrome; Hereditary neoplastic syndrome. Identifiers: Orphanet 140162, MedGen C0027672, MeSH D009386, MONDO:0015356.

Allele frequency attached by ClinVar (database versions not stated): gnomAD exomes below 0.00001; TOPMed below 0.00001; ExAC 0.00001; gnomAD 0.00001.
gnomAD v4.1: 3 of 1,567,372 alleles (0.00019%); highest among the groups gnomAD compares: African/African-American, 0.0027%; no homozygotes.

Submission:

Ambry Genetics
Classification: Uncertain significance for Hereditary cancer-predisposing syndrome. Last evaluated: 2024-06-30. Review status: criteria provided, single submitter. Criteria: Ambry Variant Classification Scheme 2023. Collection method: clinical testing. Allele origin: germline.
Comment: The p.D42N variant (also known as c.124G>A), located in coding exon 3 of the XRCC2 gene, results from a G to A substitution at nucleotide position 124. The aspartic acid at codon 42 is replaced by asparagine, an amino acid with highly similar properties. This amino acid position is conserved. In addition, this alteration is predicted to be tolerated by in silico analysis. Since supporting evidence is limited at this time, the clinical significance of this alteration remains unclear.